The following is an entry in ClinVar:

NM_017612.5(ZCCHC8):c.2093A>T (p.Asn698Ile)

Gene: ZCCHC8 (zinc finger CCHC-type containing 8; minus strand). Cytogenetic location: 12q24.31.
Variant type: single nucleotide variant.
Coding change: c.2093A>T on transcript NM_017612.5 (MANE Select); coding-DNA position 2093, A replaced by T.
Protein change: p.Asn698Ile; replaces asparagine 698 with isoleucine.
Molecular consequence: missense variant.
Genome position (GRCh38, 1-based): chr12:122,473,528, T>A on the plus strand (A>T on the coding strand, the complement: ZCCHC8 is on the minus strand). VCF-style: chr12-122473528-T-A. GRCh37 (hg19) VCF-style: chr12-122958075-T-A.
Other names: c.1862A>T, p.Asn621Ile (NM_001350935.2); c.1796A>T, p.Asn599Ile (NM_001350936.2); c.1379A>T, p.Asn460Ile (NM_001350937.2, NM_001350938.2); short protein forms N621I, N698I, N599I, N460I.
Identifiers: ClinVar variation 1490834 (VCV001490834.8), dbSNP rs767700766, ClinGen allele CA6846050.

ClinVar aggregate classification (germline): Uncertain significance (1 of 4 stars; one submission).

Allele frequency attached by ClinVar (database versions not stated): ExAC 0.00001; gnomAD 0.00001; gnomAD exomes 0.00001 and 0.00002; TOPMed 0.00001.
gnomAD v4.1: 7 of 1,613,764 alleles (0.00043%); highest among the groups gnomAD compares: Admixed American, 0.012%; no homozygotes.

Submission:

Labcorp Genetics (formerly Invitae), Labcorp
Classification: Uncertain significance. Last evaluated: 2024-04-25. Review status: criteria provided, single submitter. Criteria: Invitae Variant Classification Sherloc (09022015). Collection method: clinical testing. Allele origin: germline.
Comment: This sequence change replaces asparagine, which is neutral and polar, with isoleucine, which is neutral and non-polar, at codon 698 of the ZCCHC8 protein (p.Asn698Ile). This variant is present in population databases (rs767700766, gnomAD 0.01%). This variant has not been reported in the literature in individuals affected with ZCCHC8-related conditions. ClinVar contains an entry for this variant (Variation ID: 1490834). Advanced modeling of protein sequence and biophysical properties (such as structural, functional, and spatial information, amino acid conservation, physicochemical variation, residue mobility, and thermodynamic stability) performed at Invitae indicates that this missense variant is expected to disrupt ZCCHC8 protein function with a positive predictive value of 80%. In summary, the available evidence is currently insufficient to determine the role of this variant in disease. Therefore, it has been classified as a Variant of Uncertain Significance.